The following is an entry in ClinVar:

NM_152703.5(SAMD9L):c.4485G>C (p.Gln1495His)

Gene: SAMD9L (sterile alpha motif domain containing 9 like; minus strand). Cytogenetic location: 7q21.2.
Variant type: single nucleotide variant.
Coding change: c.4485G>C on transcript NM_152703.5 (MANE Select); coding-DNA position 4485, G replaced by C.
Protein change: p.Gln1495His; replaces glutamine 1495 with histidine.
Molecular consequence: missense variant.
Genome position (GRCh38, 1-based): chr7:93,131,487, C>G on the plus strand (G>C on the coding strand, the complement: SAMD9L is on the minus strand). VCF-style: chr7-93131487-C-G. GRCh37 (hg19) VCF-style: chr7-92760800-C-G.
Other names: c.4485G>C (NM_152703.2); c.4485G>C, p.Gln1495His (NM_001303496.3, NM_001303497.3, NM_001303498.3 and 5 more transcripts); short protein forms Q1495H.
Identifiers: ClinVar variation 2010583 (VCV002010583.5), dbSNP rs2535402358, ClinGen allele CA368171352.
Genomic context (GRCh38, chr7:93,131,487, plus strand): 5'-TTTTTTCCACACATCCCCACTGTGCCAGAGGGAATTTGTATTTTGTGCTTTATCAAAGTA[C>G]TGCTCTATTTTGGCCTTGTGAACAATACTGTTTAGACCCTTCCTTTTGCCCAGATAGAAA-3'
Protein context (NP_689916.2, residues 1485-1505): NSIVHKAKIE[Gln1495His]YFDKAQNTNS

ClinVar aggregate classification (germline): Uncertain significance. Review status: criteria provided, multiple submitters, no conflicts (2 of 4 stars). 2 submissions from 2 submitters: Uncertain significance (2). Last evaluated 2026-07-22.

Conditions:
Inborn genetic diseases. Identifiers: MedGen C0950123, MeSH D030342.

Submissions (2):

Ambry Genetics
Classification: Uncertain significance for Inborn genetic diseases. Last evaluated: 2026-07-22. Review status: criteria provided, single submitter. Criteria: Ambry Variant Classification Scheme 2023. Collection method: clinical testing. Allele origin: germline.
Comment: The p.Q1495H variant (also known as c.4485G>C), located in coding exon 1 of the SAMD9L gene, results from a G to C substitution at nucleotide position 4485. The glutamine at codon 1495 is replaced by histidine, an amino acid with highly similar properties. This amino acid position is conserved. In addition, this alteration is predicted to be tolerated by in silico analysis. Based on the available evidence, the clinical significance of this variant remains unclear.

Labcorp Genetics (formerly Invitae), Labcorp
Classification: Uncertain significance. Last evaluated: 2022-09-22. Review status: criteria provided, single submitter. Criteria: Invitae Variant Classification Sherloc (09022015). Collection method: clinical testing. Allele origin: germline.
Comment: In summary, the available evidence is currently insufficient to determine the role of this variant in disease. Therefore, it has been classified as a Variant of Uncertain Significance. Advanced modeling of protein sequence and biophysical properties (such as structural, functional, and spatial information, amino acid conservation, physicochemical variation, residue mobility, and thermodynamic stability) performed at Invitae indicates that this missense variant is not expected to disrupt SAMD9L protein function. This variant has not been reported in the literature in individuals affected with SAMD9L-related conditions. This variant is not present in population databases (gnomAD no frequency). This sequence change replaces glutamine, which is neutral and polar, with histidine, which is basic and polar, at codon 1495 of the SAMD9L protein (p.Gln1495His).